The following is an entry in ClinVar:

ClinVar aggregate classification (germline): Uncertain significance (1 of 4 stars; one submission).

gnomAD v4.1: 2 of 1,380,838 alleles (0.00014%); highest among the groups gnomAD compares: Non-Finnish European, 0.00019%; no homozygotes.

Submission:

Labcorp Genetics (formerly Invitae), Labcorp
Classification: Uncertain significance. Last evaluated: 2024-04-08. Review status: criteria provided, single submitter. Criteria: Invitae Variant Classification Sherloc (09022015). Collection method: clinical testing. Allele origin: germline.
Comment: This sequence change creates a premature translational stop signal (p.Tyr1588*) in the FOCAD gene. It is expected to result in an absent or disrupted protein product. However, the current clinical and genetic evidence is not sufficient to establish whether loss-of-function variants in FOCAD cause disease. This variant is not present in population databases (gnomAD no frequency). This variant has not been reported in the literature in individuals affected with FOCAD-related conditions. In summary, the available evidence is currently insufficient to determine the role of this variant in disease. Therefore, it has been classified as a Variant of Uncertain Significance.

NM_001375567.1(FOCAD):c.4764C>G (p.Tyr1588Ter)

Gene: FOCAD (focadhesin; plus strand). Cytogenetic location: 9p21.3.
Variant type: single nucleotide variant.
Coding change: c.4764C>G on transcript NM_001375567.1 (MANE Select); coding-DNA position 4764, C replaced by G.
Protein change: p.Tyr1588Ter; replaces tyrosine 1588 with a stop codon.
Molecular consequence: nonsense.
Genome position (GRCh38, 1-based): chr9:20,986,323, C>G. VCF-style: chr9-20986323-C-G. GRCh37 (hg19) VCF-style: chr9-20986322-C-G.
Other names: c.4659C>G, p.Tyr1553Ter (NM_001375568.1, NM_001375570.1); c.4764C>G, p.Tyr1588Ter (NM_017794.5); short protein forms Y1588*, Y1553*.
Identifiers: ClinVar variation 3725953 (VCV003725953.2).
Genomic context (GRCh38, chr9:20,986,323, plus strand): 5'-ACAATTTTTTTTTTTTTTTTTGCAGAGCAACATAGAAAAAGCTGCCTTTGTCAAACTGTA[C>G]TTAGTCTCTCAAGGACGATTCCCCTTGGTGAACCTGACCGATATGCTGAGCGTTGCTGTG-3'